The following is an entry in ClinVar:

NM_000701.8(ATP1A1):c.1888G>C (p.Gly630Arg)

Genes: ATP1A1 (ATPase Na+/K+ transporting subunit alpha 1; plus strand), ATP1A1-AS1 (ATP1A1 antisense RNA 1; minus strand). Cytogenetic location: 1p13.1.
Variant type: single nucleotide variant.
Coding change: c.1888G>C on transcript NM_000701.8 (MANE Select); coding-DNA position 1888, G replaced by C.
Protein change: p.Gly630Arg; replaces glycine 630 with arginine.
Molecular consequence: missense variant.
Genome position (GRCh38, 1-based): chr1:116,396,649, G>C. VCF-style: chr1-116396649-G-C. GRCh37 (hg19) VCF-style: chr1-116939271-G-C.
Other names: c.1888G>C, p.Gly630Arg (NM_001160233.2); c.1795G>C, p.Gly599Arg (NM_001160234.2); short protein forms G599R, G630R.
Identifiers: ClinVar variation 3066218 (VCV003066218.1), dbSNP rs2525868872, ClinGen allele CA341772130.

ClinVar aggregate classification (germline): Uncertain significance (1 of 4 stars; one submission).

Conditions:
Charcot-Marie-tooth disease, axonal, type 2DD. Also called: CHARCOT-MARIE-TOOTH NEUROPATHY, TYPE 2DD. Identifiers: Orphanet 521414, MedGen C4747974, MONDO:0054833, OMIM 618036.

Submission:

MVZ Medizinische Genetik Mainz
Classification: Uncertain significance for Charcot-Marie-tooth disease, axonal, type 2DD. Last evaluated: 2022-11-14. Review status: criteria provided, single submitter. Criteria: UK Practice Guidelines For Variant Classification V4 01 2020. Collection method: clinical testing. Allele origin: germline. Inheritance: Autosomal dominant inheritance. Affected: yes. Observed: 1 variant allele.
Comment: ACMG Criteria: PM2_SUP,PP2,PP3